The following is an entry in ClinVar:

NM_001367916.1(MAGT1):c.490G>T (p.Glu164Ter)

Gene: MAGT1 (magnesium transporter 1; minus strand). Cytogenetic location: Xq21.1.
Variant type: single nucleotide variant.
Coding change: c.490G>T on transcript NM_001367916.1 (MANE Select); coding-DNA position 490, G replaced by T.
Protein change: p.Glu164Ter; replaces glutamic acid 164 with a stop codon.
Molecular consequence: nonsense.
Genome position (GRCh38, 1-based): chrX:77,857,398, C>A on the plus strand (G>T on the coding strand, the complement: MAGT1 is on the minus strand). VCF-style: chrX-77857398-C-A. GRCh37 (hg19) VCF-style: chrX-77112895-C-A.
Other names: c.586G>T, p.Glu196Ter (NM_032121.5); short protein forms E164*, E196*.
Identifiers: ClinVar variation 1074386 (VCV001074386.11), dbSNP rs2149018425, ClinGen allele CA413714123.

ClinVar aggregate classification (germline): Pathogenic. Review status: criteria provided, single submitter (1 of 4 stars). 2 submissions from 2 submitters: Pathogenic (1). 1 of the submissions does not count toward it. Last evaluated 2020-07-27.

Conditions:
X-linked immunodeficiency with magnesium defect, Epstein-Barr virus infection and neoplasia. Identifiers: Orphanet 317476, MedGen C3275445, MONDO:0010455, OMIM 300853.

Submissions (2):

Labcorp Genetics (formerly Invitae), Labcorp
Classification: Pathogenic for X-linked immunodeficiency with magnesium defect, Epstein-Barr virus infection and neoplasia. Last evaluated: 2020-07-27. Review status: criteria provided, single submitter. Criteria: Invitae Variant Classification Sherloc (09022015). Collection method: clinical testing. Allele origin: germline.
Comment: Loss-of-function variants in MAGT1 are known to be pathogenic (PMID: 24550228). This variant has not been reported in the literature in individuals with MAGT1-related conditions. This variant is not present in population databases (ExAC no frequency). This sequence change creates a premature translational stop signal (p.Glu196*) in the MAGT1 gene. It is expected to result in an absent or disrupted protein product. For these reasons, this variant has been classified as Pathogenic.

Center for Molecular Medicine, Children’s Hospital of Fudan University
Classification: Likely pathogenic for X-linked immunodeficiency with magnesium defect, Epstein-Barr virus infection and neoplasia. Last evaluated: 2021-08-31. Review status: no assertion criteria provided. Collection method: clinical testing. Allele origin: maternal. Affected: yes. Not counted in ClinVar's aggregate classification.

Literature cited by the submitters: PubMed 24550228 (cited by Labcorp Genetics (formerly Invitae), Labcorp).